The following is an entry in ClinVar:

ClinVar aggregate classification (germline): Uncertain significance (1 of 4 stars; one submission).

Conditions:
RASopathy. Also called: rasopathies; Noonan spectrum disorder. Identifiers: Orphanet 536391, MedGen C5555857, MONDO:0021060.

Submission:

Labcorp Genetics (formerly Invitae), Labcorp
Classification: Uncertain significance for RASopathy. Last evaluated: 2022-08-22. Review status: criteria provided, single submitter. Criteria: Invitae Variant Classification Sherloc (09022015). Collection method: clinical testing. Allele origin: germline.
Comment: In summary, the available evidence is currently insufficient to determine the role of this variant in disease. Therefore, it has been classified as a Variant of Uncertain Significance. Advanced modeling of protein sequence and biophysical properties (such as structural, functional, and spatial information, amino acid conservation, physicochemical variation, residue mobility, and thermodynamic stability) performed at Invitae indicates that this missense variant is expected to disrupt SOS1 protein function. ClinVar contains an entry for this variant (Variation ID: 653705). This variant has not been reported in the literature in individuals affected with SOS1-related conditions. This variant is not present in population databases (gnomAD no frequency). This sequence change replaces proline, which is neutral and non-polar, with glutamine, which is neutral and polar, at codon 1086 of the SOS1 protein (p.Pro1086Gln).

NM_005633.4(SOS1):c.3257C>A (p.Pro1086Gln)

Gene: SOS1 (SOS Ras/Rac guanine nucleotide exchange factor 1; minus strand). Cytogenetic location: 2p22.1.
Variant type: single nucleotide variant.
Coding change: c.3257C>A on transcript NM_005633.4 (MANE Select); coding-DNA position 3257, C replaced by A.
Protein change: p.Pro1086Gln; replaces proline 1086 with glutamine.
Molecular consequence: missense variant.
Genome position (GRCh38, 1-based): chr2:38,995,212, G>T on the plus strand (C>A on the coding strand, the complement: SOS1 is on the minus strand). VCF-style: chr2-38995212-G-T. GRCh37 (hg19) VCF-style: chr2-39222353-G-T.
Other names: c.3236C>A, p.Pro1079Gln (NM_001382394.1); c.3257C>A, p.Pro1086Gln (NM_001382395.1); short protein forms P1086Q, P1079Q.
Identifiers: ClinVar variation 653705 (VCV000653705.8), dbSNP rs730881028, ClinGen allele CA346360593.